The following is an entry in ClinVar:

NM_001029883.3(PCARE):c.879G>T (p.Leu293=)

Gene: PCARE (photoreceptor cilium actin regulator; minus strand). Cytogenetic location: 2p23.2.
Variant type: single nucleotide variant.
Coding change: c.879G>T on transcript NM_001029883.3 (MANE Select); coding-DNA position 879, G replaced by T.
Protein change: p.Leu293=; no amino-acid change (leucine 293 retained).
Molecular consequence: synonymous variant.
Genome position (GRCh38, 1-based): chr2:29,073,383, C>A on the plus strand (G>T on the coding strand, the complement: PCARE is on the minus strand). VCF-style: chr2-29073383-C-A. GRCh37 (hg19) VCF-style: chr2-29296249-C-A.
Identifiers: ClinVar variation 717343 (VCV000717343.12), dbSNP rs201841912, ClinGen allele CA1592546.

ClinVar aggregate classification (germline): Likely benign. Review status: criteria provided, multiple submitters, no conflicts (2 of 4 stars). 3 submissions from 3 submitters: Likely benign (3). Last evaluated 2026-02-01.

Conditions:
PCARE-related disorder. Also called: PCARE-related condition.

Allele frequency attached by ClinVar (database versions not stated): gnomAD exomes 0.00004 and 0.00008; ExAC 0.00008; TOPMed 0.00008; gnomAD 0.00015; 1000 Genomes Project 30x 0.00016; 1000 Genomes Project 0.00020.
gnomAD v4.1: 80 of 1,613,828 alleles (0.005%); highest among the groups gnomAD compares: Middle Eastern, 0.12%; no homozygotes.

Submissions (3):

Labcorp Genetics (formerly Invitae), Labcorp
Classification: Likely benign. Last evaluated: 2026-02-01. Review status: criteria provided, single submitter. Criteria: Invitae Variant Classification Sherloc (09022015). Collection method: clinical testing. Allele origin: germline.

PreventionGenetics, part of Exact Sciences
Classification: Likely benign for PCARE-related condition. Last evaluated: 2024-10-07. Review status: criteria provided, single submitter. Criteria: ACMG Guidelines, 2015. Collection method: clinical testing. Allele origin: germline.
Comment: This variant is classified as likely benign based on ACMG/AMP sequence variant interpretation guidelines (Richards et al. 2015 PMID: 25741868, with internal and published modifications).

Blueprint Genetics
Classification: Likely benign. Last evaluated: 2024-02-21. Review status: criteria provided, single submitter. Criteria: ACMG Guidelines, 2015. Collection method: clinical testing. Allele origin: germline.